The following is an entry in ClinVar:

NM_032551.5(KISS1R):c.1083G>A (p.Ala361=)

Gene: KISS1R (KISS1 receptor; plus strand). Cytogenetic location: 19p13.3.
Variant type: single nucleotide variant.
Coding change: c.1083G>A on transcript NM_032551.5 (MANE Select); coding-DNA position 1083, G replaced by A.
Protein change: p.Ala361=; no amino-acid change (alanine 361 retained).
Molecular consequence: synonymous variant.
Genome position (GRCh38, 1-based): chr19:920,634, G>A. VCF-style: chr19-920634-G-A. GRCh37 (hg19) VCF-style: chr19-920634-G-A.
Identifiers: ClinVar variation 3039834 (VCV003039834.2), dbSNP rs752272184, ClinGen allele CA9028906.

ClinVar aggregate classification (germline): Likely benign (0 of 4 stars; one submission).

Conditions:
KISS1R-related disorder. Also called: KISS1R-related condition.

Allele frequency attached by ClinVar (database versions not stated): TOPMed below 0.00001.

Submission:

PreventionGenetics, part of Exact Sciences
Classification: Likely benign for KISS1R-related condition. Last evaluated: 2019-09-24. Review status: no assertion criteria provided. Collection method: clinical testing. Allele origin: germline.
Comment: This variant is classified as likely benign based on ACMG/AMP sequence variant interpretation guidelines (Richards et al. 2015 PMID: 25741868, with internal and published modifications).